The following is an entry in ClinVar:

ClinVar aggregate classification (germline): Likely benign (1 of 4 stars; one submission).

Submission:

Women's Health and Genetics/Laboratory Corporation of America, LabCorp
Classification: Likely benign. Last evaluated: 2025-09-05. Review status: criteria provided, single submitter. Criteria: LabCorp Variant Classification Summary - May 2015. Collection method: clinical testing. Allele origin: germline.
Comment: Variant summary: RYR1 c.13344C>G alters a conserved nucleotide resulting in a synonymous change. Consensus agreement among computation tools predict no significant impact on normal splicing. However, these predictions have yet to be confirmed by functional studies. The variant was absent in control chromosomes (gnomAD). The available data on variant occurrences in the general population are insufficient to allow any conclusion about variant significance. To our knowledge, no occurrence of c.13344C>G in individuals affected with RYR1-related conditions and no experimental evidence demonstrating its impact on protein function have been reported. No submitters have cited clinical-significance assessments for this variant to ClinVar. Based on the evidence outlined above, the variant was classified as likely benign.

NM_000540.3(RYR1):c.13344C>G (p.Pro4448=)

Genes: RYR1 (ryanodine receptor 1; plus strand), LOC130064357 (ATAC-STARR-seq lymphoblastoid silent region 10577; plus strand). Cytogenetic location: 19q13.2.
Variant type: single nucleotide variant.
Coding change: c.13344C>G on transcript NM_000540.3 (MANE Select); coding-DNA position 13344, C replaced by G.
Protein change: p.Pro4448=; no amino-acid change (proline 4448 retained).
Molecular consequence: synonymous variant.
Genome position (GRCh38, 1-based): chr19:38,565,678, C>G. VCF-style: chr19-38565678-C-G. GRCh37 (hg19) VCF-style: chr19-39056318-C-G.
Other names: c.13329C>G, p.Pro4443= (NM_001042723.2).
Identifiers: ClinVar variation 4535752 (VCV004535752.1).
Genomic context (GRCh38, chr19:38,565,678, plus strand): 5'-GGCCGGGCCGGGCGGTGCCGACGGGGCGGTGGCCGTGACCGATGGGGGCCCCTTCCGGCC[C>G]GAAGGGGCTGGCGGTCTCGGGGACATGGGGGACACGACGCCTGCGGAACCGCCCACACCC-3'
Protein context (NP_000531.2, residues 4438-4458): VAVTDGGPFR[Pro4448=]EGAGGLGDMG